The following is an entry in ClinVar:

ClinVar aggregate classification (germline): Conflicting classifications of pathogenicity. Review status: criteria provided, conflicting classifications (1 of 4 stars). 2 submissions from 2 submitters: Uncertain significance (1); Likely benign (1). Last evaluated 2024-10-07.

Conditions:
46,XY sex reversal 6. Also called: 46,XY GONADAL DYSGENESIS, PARTIAL OR COMPLETE, MAP3K1-RELATED; 46,XY SEX REVERSAL, PARTIAL OR COMPLETE, MAP3K1-RELATED. Identifiers: MedGen C3151064, MONDO:0013410, OMIM 613762.

Allele frequency attached by ClinVar (database versions not stated): ExAC 0.00002; gnomAD exomes 0.00002; gnomAD 0.00003; TOPMed 0.00003.
gnomAD v4.1: 38 of 1,613,972 alleles (0.0024%); highest among the groups gnomAD compares: Admixed American, 0.0067%; no homozygotes.

Submissions (2):

Labcorp Genetics (formerly Invitae), Labcorp
Classification: Likely benign for 46,XY sex reversal 6. Last evaluated: 2024-10-07. Review status: criteria provided, single submitter. Criteria: Invitae Variant Classification Sherloc (09022015). Collection method: clinical testing. Allele origin: germline.

GeneDx
Classification: Uncertain significance. Last evaluated: 2022-06-29. Review status: criteria provided, single submitter. Criteria: GeneDx Variant Classification Process June 2021. Collection method: clinical testing. Allele origin: germline. Affected: yes.
Comment: In silico analysis supports that this missense variant does not alter protein structure/function; Has not been previously published as pathogenic or benign to our knowledge

NM_005921.2(MAP3K1):c.3070A>C (p.Lys1024Gln)

Gene: MAP3K1 (mitogen-activated protein kinase kinase kinase 1; plus strand). Cytogenetic location: 5q11.2.
Variant type: single nucleotide variant.
Coding change: c.3070A>C on transcript NM_005921.2 (MANE Select); coding-DNA position 3070, A replaced by C.
Protein change: p.Lys1024Gln; replaces lysine 1024 with glutamine.
Molecular consequence: missense variant.
Genome position (GRCh38, 1-based): chr5:56,882,270, A>C. VCF-style: chr5-56882270-A-C. GRCh37 (hg19) VCF-style: chr5-56178097-A-C.
Other names: short protein forms K1024Q.
Identifiers: ClinVar variation 1521343 (VCV001521343.7), dbSNP rs780666910, ClinGen allele CA3273111.
Genomic context (GRCh38, chr5:56,882,270, plus strand): 5'-CATAGACTTCAGGGATTCATTCCCTGCAGAATACCTTCTGCATCTCCTCAAACACAGCGC[A>C]AGTTTTCTCTACAATTCCACAGAAACTGTCCTGAAAACAAAGACTCAGATAAACTTTCCC-3'
Protein context (NP_005912.1, residues 1014-1034): IPSASPQTQR[Lys1024Gln]FSLQFHRNCP